The following is an entry in ClinVar:

ClinVar aggregate classification (germline): Uncertain significance (1 of 4 stars; one submission).

Allele frequency attached by ClinVar (database versions not stated): TOPMed below 0.00001; gnomAD 0.00001; gnomAD exomes 0.00001.

Submission:

Labcorp Genetics (formerly Invitae), Labcorp
Classification: Uncertain significance. Last evaluated: 2022-09-23. Review status: criteria provided, single submitter. Criteria: Invitae Variant Classification Sherloc (09022015). Collection method: clinical testing. Allele origin: germline.
Comment: This sequence change replaces arginine, which is basic and polar, with cysteine, which is neutral and slightly polar, at codon 204 of the MCM2 protein (p.Arg204Cys). This variant is present in population databases (no rsID available, gnomAD 0.01%). This variant has not been reported in the literature in individuals affected with MCM2-related conditions. Advanced modeling of protein sequence and biophysical properties (such as structural, functional, and spatial information, amino acid conservation, physicochemical variation, residue mobility, and thermodynamic stability) performed at Invitae indicates that this missense variant is expected to disrupt MCM2 protein function. In summary, the available evidence is currently insufficient to determine the role of this variant in disease. Therefore, it has been classified as a Variant of Uncertain Significance.

NM_004526.4(MCM2):c.610C>T (p.Arg204Cys)

Gene: MCM2 (minichromosome maintenance complex component 2; plus strand). Cytogenetic location: 3q21.3.
Variant type: single nucleotide variant.
Coding change: c.610C>T on transcript NM_004526.4 (MANE Select); coding-DNA position 610, C replaced by T.
Protein change: p.Arg204Cys; replaces arginine 204 with cysteine.
Molecular consequence: missense variant. On other transcripts: non-coding transcript variant (1).
Genome position (GRCh38, 1-based): chr3:127,605,093, C>T. VCF-style: chr3-127605093-C-T. GRCh37 (hg19) VCF-style: chr3-127323936-C-T.
Other names: short protein forms R204C.
Identifiers: ClinVar variation 2182875 (VCV002182875.4), dbSNP rs1264361762, ClinGen allele CA354383570.